The following is an entry in ClinVar:

NM_005359.6(SMAD4):c.775A>G (p.Thr259Ala)

Gene: SMAD4 (SMAD family member 4; plus strand). Cytogenetic location: 18q21.2.
Variant type: single nucleotide variant.
Coding change: c.775A>G on transcript NM_005359.6 (MANE Select); coding-DNA position 775, A replaced by G.
Protein change: p.Thr259Ala; replaces threonine 259 with alanine.
Molecular consequence: missense variant.
Genome position (GRCh38, 1-based): chr18:51,058,232, A>G. VCF-style: chr18-51058232-A-G. GRCh37 (hg19) VCF-style: chr18-48584602-A-G.
Other names: short protein forms T259A.
Identifiers: ClinVar variation 649650 (VCV000649650.8), dbSNP rs1599189628, ClinGen allele CA402463145.

ClinVar aggregate classification (germline): Uncertain significance (1 of 4 stars; one submission).

Conditions:
Juvenile polyposis syndrome (JPS). Identifiers: Orphanet 2929, MedGen C0345893, MONDO:0017380, OMIM 174900.

Submission:

Labcorp Genetics (formerly Invitae), Labcorp
Classification: Uncertain significance for Juvenile polyposis syndrome. Last evaluated: 2025-04-29. Review status: criteria provided, single submitter. Criteria: Invitae Variant Classification Sherloc (09022015). Collection method: clinical testing. Allele origin: germline.
Comment: This sequence change replaces threonine, which is neutral and polar, with alanine, which is neutral and non-polar, at codon 259 of the SMAD4 protein (p.Thr259Ala). This variant is not present in population databases (gnomAD no frequency). This variant has not been reported in the literature in individuals affected with SMAD4-related conditions. ClinVar contains an entry for this variant (Variation ID: 649650). Invitae Evidence Modeling of protein sequence and biophysical properties (such as structural, functional, and spatial information, amino acid conservation, physicochemical variation, residue mobility, and thermodynamic stability) indicates that this missense variant is not expected to disrupt SMAD4 protein function with a negative predictive value of 95%. In summary, the available evidence is currently insufficient to determine the role of this variant in disease. Therefore, it has been classified as a Variant of Uncertain Significance.